The following is an entry in ClinVar:

ClinVar aggregate classification (germline): Uncertain significance (1 of 4 stars; one submission).

Submission:

Labcorp Genetics (formerly Invitae), Labcorp
Classification: Uncertain significance. Last evaluated: 2024-10-29. Review status: criteria provided, single submitter. Criteria: Invitae Variant Classification Sherloc (09022015). Collection method: clinical testing. Allele origin: germline.
Comment: This sequence change replaces arginine, which is basic and polar, with serine, which is neutral and polar, at codon 139 of the NYX protein (p.Arg139Ser). This variant is not present in population databases (gnomAD no frequency). This variant has not been reported in the literature in individuals affected with NYX-related conditions. ClinVar contains an entry for this variant (Variation ID: 1023661). Invitae Evidence Modeling of protein sequence and biophysical properties (such as structural, functional, and spatial information, amino acid conservation, physicochemical variation, residue mobility, and thermodynamic stability) indicates that this missense variant is not expected to disrupt NYX protein function with a negative predictive value of 80%. In summary, the available evidence is currently insufficient to determine the role of this variant in disease. Therefore, it has been classified as a Variant of Uncertain Significance.

NM_001378477.3(NYX):c.400C>A (p.Arg134Ser)

Gene: NYX (nyctalopin; plus strand). Cytogenetic location: Xp11.4.
Variant type: single nucleotide variant.
Coding change: c.400C>A on transcript NM_001378477.3 (MANE Select); coding-DNA position 400, C replaced by A.
Protein change: p.Arg134Ser; replaces arginine 134 with serine.
Molecular consequence: missense variant.
Genome position (GRCh38, 1-based): chrX:41,473,868, C>A. VCF-style: chrX-41473868-C-A. GRCh37 (hg19) VCF-style: chrX-41333121-C-A.
Other names: c.400C>A, p.Arg134Ser (NM_022567.3); short protein forms R134S.
Identifiers: ClinVar variation 1023661 (VCV001023661.9), dbSNP rs2064374484, ClinGen allele CA412990165.